The following is an entry in ClinVar:

ClinVar aggregate classification (germline): Likely benign (0 of 4 stars; one submission).

Conditions:
CRYL1-related disorder. Also called: CRYL1-related condition.

Allele frequency attached by ClinVar (database versions not stated): ExAC 0.00001; gnomAD 0.00001; gnomAD exomes 0.00002; TOPMed 0.00002.
gnomAD v4.1: 35 of 1,613,538 alleles (0.0022%); highest among the groups gnomAD compares: Non-Finnish European, 0.0027%; no homozygotes.

Submission:

PreventionGenetics, part of Exact Sciences
Classification: Likely benign for CRYL1-related condition. Last evaluated: 2019-09-20. Review status: no assertion criteria provided. Collection method: clinical testing. Allele origin: germline.
Comment: This variant is classified as likely benign based on ACMG/AMP sequence variant interpretation guidelines (Richards et al. 2015 PMID: 25741868, with internal and published modifications).

NM_015974.3(CRYL1):c.231T>C (p.Gly77=)

Gene: CRYL1 (crystallin lambda 1; minus strand). Cytogenetic location: 13q12.11.
Variant type: single nucleotide variant.
Coding change: c.231T>C on transcript NM_015974.3 (MANE Select); coding-DNA position 231, T replaced by C.
Protein change: p.Gly77=; no amino-acid change (glycine 77 retained).
Molecular consequence: synonymous variant.
Genome position (GRCh38, 1-based): chr13:20,489,415, A>G on the plus strand (T>C on the coding strand, the complement: CRYL1 is on the minus strand). VCF-style: chr13-20489415-A-G. GRCh37 (hg19) VCF-style: chr13-21063554-A-G.
Other names: c.231T>C, p.Gly77= (NM_001363647.2).
Identifiers: ClinVar variation 3039677 (VCV003039677.2), dbSNP rs775064668, ClinGen allele CA6904823.